The following is an entry in ClinVar:

NM_000088.4(COL1A1):c.43G>A (p.Ala15Thr)

Gene: COL1A1 (collagen type I alpha 1 chain; minus strand). Cytogenetic location: 17q21.33.
Variant type: single nucleotide variant.
Coding change: c.43G>A on transcript NM_000088.4 (MANE Select); coding-DNA position 43, G replaced by A.
Protein change: p.Ala15Thr; replaces alanine 15 with threonine.
Molecular consequence: missense variant.
Genome position (GRCh38, 1-based): chr17:50,201,471, C>T on the plus strand (G>A on the coding strand, the complement: COL1A1 is on the minus strand). VCF-style: chr17-50201471-C-T. GRCh37 (hg19) VCF-style: chr17-48278832-C-T.
Other names: short protein forms A15T.
Identifiers: ClinVar variation 3707620 (VCV003707620.2).

ClinVar aggregate classification (germline): Uncertain significance (1 of 4 stars; one submission).

Conditions:
Osteogenesis imperfecta type I (OI1). Also called: Lobstein's Disease; Lobstein disease; OI, TYPE I; OSTEOGENESIS IMPERFECTA TARDA; OSTEOGENESIS IMPERFECTA WITH BLUE SCLERAE; Osteogenesis imperfecta type 1. Identifiers: Orphanet 216796, Orphanet 666, MedGen C0023931, MONDO:0008146, OMIM 166200. Disease mechanism: loss of function.

Submission:

Labcorp Genetics (formerly Invitae), Labcorp
Classification: Uncertain significance for Osteogenesis imperfecta type I. Last evaluated: 2024-03-24. Review status: criteria provided, single submitter. Criteria: Invitae Variant Classification Sherloc (09022015). Collection method: clinical testing. Allele origin: germline.
Comment: This sequence change replaces alanine, which is neutral and non-polar, with threonine, which is neutral and polar, at codon 15 of the COL1A1 protein (p.Ala15Thr). This variant is not present in population databases (gnomAD no frequency). This variant has not been reported in the literature in individuals affected with COL1A1-related conditions. Advanced modeling of protein sequence and biophysical properties (such as structural, functional, and spatial information, amino acid conservation, physicochemical variation, residue mobility, and thermodynamic stability) performed at Invitae indicates that this missense variant is not expected to disrupt COL1A1 protein function with a negative predictive value of 95%. In summary, the available evidence is currently insufficient to determine the role of this variant in disease. Therefore, it has been classified as a Variant of Uncertain Significance.